The following is an entry in ClinVar:

ClinVar aggregate classification (germline): Likely pathogenic. Review status: criteria provided, single submitter (1 of 4 stars). 2 submissions from 2 submitters: Likely pathogenic (1). 1 of the submissions does not count toward it. Last evaluated 2025-03-19.

Conditions:
Familial long QT syndrome (RWS). Also called: Congenital long QT syndrome; Romano-Ward syndrome; VENTRICULAR FIBRILLATION WITH PROLONGED QT INTERVAL. Identifiers: Orphanet 768, MedGen C1141890, MONDO:0019171.

Submissions (2):

GeneDx
Classification: Likely pathogenic. Last evaluated: 2025-03-19. Review status: criteria provided, single submitter. Criteria: GeneDx Variant Classification Process June 2021. Collection method: clinical testing. Allele origin: germline. Affected: yes.
Comment: Functional studies performed in Xenopus oocytes demonstrated that Y281C results in appropriate protein trafficking of a nonfunctional ion channel with no detectable current (PMID: 11087258); Not observed at significant frequency in large population cohorts (gnomAD); In silico analysis supports that this missense variant has a deleterious effect on protein structure/function; This variant is associated with the following publications: (PMID: 9927399, 19716085, 29021305, 11087258, 34505893)

Cardiovascular Biomedical Research Unit, Royal Brompton & Harefield NHS Foundation Trust
No classification provided. Condition: Familial long QT syndrome. Review status: no classification provided. Collection method: literature only. Allele origin: germline. Not counted in ClinVar's aggregate classification.
Comment: This variant has been reported as associated with Long QT syndrome in the following publications (PMID:9927399;PMID:19716085). This is a literature report, and does not necessarily reflect the clinical interpretation of the Imperial College / Royal Brompton Cardiovascular Genetics laboratory.

Literature cited by the submitters: PubMed 9927399 (cited by Cardiovascular Biomedical Research Unit, Royal Brompton & Harefield NHS Foundation Trust); PubMed 19716085 (cited by Cardiovascular Biomedical Research Unit, Royal Brompton & Harefield NHS Foundation Trust); PubMed 22581653 (cited by Cardiovascular Biomedical Research Unit, Royal Brompton & Harefield NHS Foundation Trust).

NM_000218.3(KCNQ1):c.842A>G (p.Tyr281Cys)

Gene: KCNQ1 (potassium voltage-gated channel subfamily Q member 1; plus strand). Cytogenetic location: 11p15.5.
Variant type: single nucleotide variant.
Coding change: c.842A>G on transcript NM_000218.3 (MANE Select); coding-DNA position 842, A replaced by G.
Protein change: p.Tyr281Cys; replaces tyrosine 281 with cysteine.
Molecular consequence: missense variant.
Genome position (GRCh38, 1-based): chr11:2,572,907, A>G. VCF-style: chr11-2572907-A-G. GRCh37 (hg19) VCF-style: chr11-2594137-A-G.
Other names: c.842A>G (LRG_287t1); c.842A>G, p.Tyr281Cys (NM_001406836.1); c.572A>G, p.Tyr191Cys (NM_001406837.1); c.461A>G, p.Tyr154Cys (NM_181798.2); short protein forms Y281C, Y154C, Y191C.
Identifiers: ClinVar variation 67112 (VCV000067112.4), dbSNP rs199472732, ClinGen allele CA008464.
Genomic context (GRCh38, chr11:2,572,907, plus strand): 5'-AGCTGATAACCACCCTGTACATCGGCTTCCTGGGCCTCATCTTCTCCTCGTACTTTGTGT[A>G]CCTGGCTGAGAAGGACGCGGTGAACGAGTCAGGCCGCGTGGAGTTCGGCAGCTACGCAGA-3'
Protein context (NP_000209.2, residues 271-291): LGLIFSSYFV[Tyr281Cys]LAEKDAVNES